The following is an entry in ClinVar:

NM_000117.3(EMD):c.266-19C>T

Gene: EMD (emerin; plus strand). Cytogenetic location: Xq28.
Variant type: single nucleotide variant.
Coding change: c.266-19C>T on transcript NM_000117.3 (MANE Select); 19 bases into the intron before coding-DNA position 266, C replaced by T.
Molecular consequence: intron variant.
Genome position (GRCh38, 1-based): chrX:154,380,215, C>T. VCF-style: chrX-154380215-C-T. GRCh37 (hg19) VCF-style: chrX-153608575-C-T.
Identifiers: ClinVar variation 385264 (VCV000385264.9), dbSNP rs1057522166, ClinGen allele CA16608833.

ClinVar aggregate classification (germline): Likely benign. Review status: criteria provided, multiple submitters, no conflicts (2 of 4 stars). 2 submissions from 2 submitters: Likely benign (2). Last evaluated 2024-10-16.

Conditions:
X-linked Emery-Dreifuss muscular dystrophy. Also called: Muscular dystrophy, tardive Emery-Dreifuss type, with contractures. Identifiers: Orphanet 261, Orphanet 98863, MedGen C0751337, MONDO:0010680.

Allele frequency attached by ClinVar (database versions not stated): gnomAD exomes below 0.00001 and 0.00001; TOPMed below 0.00001.
gnomAD v4.1: 3 of 1,211,121 alleles (0.00025%); highest among the groups gnomAD compares: East Asian, 0.0059%; no homozygotes.

Submissions (2):

Labcorp Genetics (formerly Invitae), Labcorp
Classification: Likely benign for X-linked Emery-Dreifuss muscular dystrophy. Last evaluated: 2024-10-16. Review status: criteria provided, single submitter. Criteria: Invitae Variant Classification Sherloc (09022015). Collection method: clinical testing. Allele origin: germline.

GeneDx
Classification: Likely benign. Last evaluated: 2016-04-01. Review status: criteria provided, single submitter. Criteria: GeneDx Variant Classification (06012015). Collection method: clinical testing. Allele origin: germline. Affected: yes.
Comment: This variant is considered likely benign or benign based on one or more of the following criteria: it is a conservative change, it occurs at a poorly conserved position in the protein, it is predicted to be benign by multiple in silico algorithms, and/or has population frequency not consistent with disease.